The following is an entry in ClinVar:

NM_001080476.3(GRXCR1):c.477_478delinsAG (p.Arg160Gly)

Gene: GRXCR1 (glutaredoxin and cysteine rich domain containing 1; plus strand). Cytogenetic location: 4p13.
Variant type: Indel.
Coding change: c.477_478delinsAG on transcript NM_001080476.3 (MANE Select); coding-DNA positions 477 to 478, TA replaced by AG.
Protein change: p.Arg160Gly; replaces arginine 160 with glycine.
Molecular consequence: missense variant.
Genome position (GRCh38, 1-based): chr4:42,962,984-42,962,985, TA replaced by AG. VCF-style: chr4-42962984-TA-AG. GRCh37 (hg19) VCF-style: chr4-42965001-TA-AG.
Other names: short protein forms R160G.
Identifiers: ClinVar variation 1201674 (VCV001201674.6), dbSNP rs2109775005, ClinGen allele CA2499217214.

ClinVar aggregate classification (germline): Uncertain significance. Review status: criteria provided, multiple submitters, no conflicts (2 of 4 stars). 2 submissions from 2 submitters: Uncertain significance (2). Last evaluated 2021-11-01.

Submissions (2):

Labcorp Genetics (formerly Invitae), Labcorp
Classification: Uncertain significance. Last evaluated: 2021-11-01. Review status: criteria provided, single submitter. Criteria: Invitae Variant Classification Sherloc (09022015). Collection method: clinical testing. Allele origin: germline.
Comment: This sequence change replaces arginine, which is basic and polar, with glycine, which is neutral and non-polar, at codon 160 of the GRXCR1 protein (p.Arg160Gly). Information on the frequency of this variant in the gnomAD database is not available, as this variant may be reported differently in the database. This variant has not been reported in the literature in individuals affected with GRXCR1-related conditions. ClinVar contains an entry for this variant (Variation ID: 1201674). Experimental studies and prediction algorithms are not available or were not evaluated, and the functional significance of this variant is currently unknown. In summary, the available evidence is currently insufficient to determine the role of this variant in disease. Therefore, it has been classified as a Variant of Uncertain Significance.

GeneDx
Classification: Uncertain significance. Last evaluated: 2021-03-25. Review status: criteria provided, single submitter. Criteria: GeneDx Variant Classification Process June 2021. Collection method: clinical testing. Allele origin: germline. Affected: yes.
Comment: Not observed at a significant frequency in large population cohorts (Lek et al., 2016); In silico analysis, which includes protein predictors and evolutionary conservation, supports a deleterious effect; Has not been previously published as pathogenic or benign to our knowledge